The following is an entry in ClinVar:

NM_001009944.3(PKD1):c.8300G>C (p.Arg2767Pro)

Gene: PKD1 (polycystin 1, transient receptor potential channel interacting; minus strand). Cytogenetic location: 16p13.3.
Variant type: single nucleotide variant.
Coding change: c.8300G>C on transcript NM_001009944.3 (MANE Select); coding-DNA position 8300, G replaced by C.
Protein change: p.Arg2767Pro; replaces arginine 2767 with proline.
Molecular consequence: missense variant.
Genome position (GRCh38, 1-based): chr16:2,103,757, C>G on the plus strand (G>C on the coding strand, the complement: PKD1 is on the minus strand). VCF-style: chr16-2103757-C-G. GRCh37 (hg19) VCF-style: chr16-2153758-C-G.
Other names: c.8300G>C, p.Arg2767Pro (NM_000296.4); short protein forms R2767P.
Identifiers: ClinVar variation 2501563 (VCV002501563.4), dbSNP rs770080914, ClinGen allele CA394364736.

ClinVar aggregate classification (germline): Likely pathogenic. Review status: criteria provided, multiple submitters, no conflicts (2 of 4 stars). 3 submissions from 3 submitters: Likely pathogenic (3). Last evaluated 2025-07-23.

Conditions:
Polycystic kidney disease, adult type (PKD1). Also called: Polycystic Kidney Disease 1, Autosomal Dominant; Polycystic kidney disease 1; Polycystic kidney disease 1, severe; Polycystic Kidney, Autosomal Dominant; POLYCYSTIC KIDNEY DISEASE, ADULT, TYPE I; POLYCYSTIC KIDNEY DISEASE 1 WITH OR WITHOUT POLYCYSTIC LIVER DISEASE. Identifiers: MedGen C3149841, MONDO:0008263, OMIM 173900.

Submissions (3):

Women's Health and Genetics/Laboratory Corporation of America, LabCorp
Classification: Likely pathogenic for Polycystic kidney disease, adult type. Last evaluated: 2025-07-23. Review status: criteria provided, single submitter. Criteria: LabCorp Variant Classification Summary - May 2015. Collection method: clinical testing. Allele origin: germline.
Comment: Variant summary: PKD1 c.8300G>C (p.Arg2767Pro) results in a non-conservative amino acid change in the encoded protein sequence. Algorithms developed to predict the effect of missense changes on protein structure and function are either unavailable or do not agree on the potential impact of this missense change. The variant was absent in 247018 control chromosomes. c.8300G>C has been observed in multiple individuals in a single family affected with Polycystic Kidney Disease 1 with disease segregation (Audrezet_2012). These data indicate that the variant is very likely to be associated with disease. To our knowledge, no experimental evidence demonstrating an impact on protein function has been reported. The following publications have been ascertained in the context of this evaluation (PMID: 22508176, 23431072). ClinVar contains an entry for this variant (Variation ID: 2501563). Based on the evidence outlined above, the variant was classified as likely pathogenic.

GeneDx
Classification: Likely pathogenic. Last evaluated: 2022-11-14. Review status: criteria provided, single submitter. Criteria: GeneDx Variant Classification Process June 2021. Collection method: clinical testing. Allele origin: germline. Affected: yes.
Comment: Not observed at significant frequency in large population cohorts (gnomAD); In silico analysis supports that this missense variant has a deleterious effect on protein structure/function; This variant is associated with the following publications: (PMID: 23431072, 22508176)

Juno Genomics, Hangzhou Juno Genomics, Inc
Classification: Likely pathogenic for Polycystic kidney disease, adult type. Review status: criteria provided, single submitter. Criteria: ACMG Guidelines, 2015. Collection method: clinical testing. Allele origin: germline. Affected: yes.
Comment: Absent from controls (or at extremely low frequency if recessive) in Genome Aggregation Database, Exome Sequencing Project, 1000 Genomes Project, or Exome Aggregation Consortium.;Novel missense change at an amino acid residue where a different missense change determined to be pathogenic has been seen before.;The prevalence of the variant in affected individuals is significantly increased compared to the prevalence in controls.;Co-segregation with disease in multiple affected family members in a gene definitively known to cause the disease.;Patient's phenotype or family history is highly specific for a disease with a single genetic etiology.

Literature cited by the submitters: PubMed 23431072 (cited by Women's Health and Genetics/Laboratory Corporation of America, LabCorp); PubMed 22508176 (cited by Women's Health and Genetics/Laboratory Corporation of America, LabCorp).